The following is an entry in ClinVar:

NC_000018.9:g.(?_43456181)_(43456327_?)del

Gene: EPG5 (ectopic P-granules 5 autophagy tethering factor; minus strand). Cytogenetic location: 18q12.3.
Variant type: Deletion.
Identifiers: ClinVar variation 3242742 (VCV003242742.1).

ClinVar aggregate classification (germline): Pathogenic (1 of 4 stars; one submission).

Conditions:
Vici syndrome (VICIS). Identifiers: Orphanet 1493, MedGen C1855772, MONDO:0009452, OMIM 242840.

Submission:

Labcorp Genetics (formerly Invitae), Labcorp
Classification: Pathogenic for Vici syndrome. Last evaluated: 2023-05-13. Review status: criteria provided, single submitter. Criteria: Invitae Variant Classification Sherloc (09022015). Collection method: clinical testing. Allele origin: unknown.
Comment: For these reasons, this variant has been classified as Pathogenic. This variant has not been reported in the literature in individuals affected with EPG5-related conditions. This variant is a gross deletion of the genomic region encompassing exon(s) 35 of the EPG5 gene. This deletion is out-of-frame, and is expected to create a premature termination codon and result in an absent or disrupted protein product. Loss-of-function variants in EPG5 are known to be pathogenic (PMID: 23222957, 23674064).

Literature cited by the submitters: PubMed 23222957; PubMed 23674064.